The following is an entry in ClinVar:

ClinVar aggregate classification (germline): Uncertain significance (1 of 4 stars; one submission).

gnomAD v4.1: 1 of 1,614,256 alleles (0.000062%); highest among the groups gnomAD compares: Non-Finnish European, 0.000085%; no homozygotes.

Submission:

Women's Health and Genetics/Laboratory Corporation of America, LabCorp
Classification: Uncertain significance. Last evaluated: 2025-06-10. Review status: criteria provided, single submitter. Criteria: LabCorp Variant Classification Summary - May 2015. Collection method: clinical testing. Allele origin: germline.
Comment: Variant summary: GCM2 c.1438G>A (p.Val480Met) results in a conservative amino acid change in the encoded protein sequence. Algorithms developed to predict the effect of missense changes on protein structure and function are either unavailable or do not agree on the potential impact of this missense change. The variant was absent in 251428 control chromosomes. The available data on variant occurrences in the general population are insufficient to allow any conclusion about variant significance. To our knowledge, no occurrence of c.1438G>A in individuals affected with Familial Hypoparathyroidism and no experimental evidence demonstrating its impact on protein function have been reported. No submitters have cited clinical-significance assessments for this variant to ClinVar. Based on the evidence outlined above, the variant was classified as uncertain significance.

NM_004752.4(GCM2):c.1438G>A (p.Val480Met)

Gene: GCM2 (glial cells missing transcription factor 2; minus strand). Cytogenetic location: 6p24.2.
Variant type: single nucleotide variant.
Coding change: c.1438G>A on transcript NM_004752.4 (MANE Select); coding-DNA position 1438, G replaced by A.
Protein change: p.Val480Met; replaces valine 480 with methionine.
Molecular consequence: missense variant.
Genome position (GRCh38, 1-based): chr6:10,874,078, C>T on the plus strand (G>A on the coding strand, the complement: GCM2 is on the minus strand). VCF-style: chr6-10874078-C-T. GRCh37 (hg19) VCF-style: chr6-10874311-C-T.
Other names: short protein forms V480M.
Identifiers: ClinVar variation 3907239 (VCV003907239.1).